The following is an entry in ClinVar:

NM_000297.4(PKD2):c.2T>A (p.Met1Lys)

Genes: PKD2 (polycystin 2, transient receptor potential cation channel; plus strand), LOC129992813 (ATAC-STARR-seq lymphoblastoid silent region 15559; plus strand). Cytogenetic location: 4q22.1.
Variant type: single nucleotide variant.
Coding change: c.2T>A on transcript NM_000297.4 (MANE Select); coding-DNA position 2, T replaced by A.
Protein change: p.Met1Lys; changes the start codon (methionine 1).
Molecular consequence: missense variant, initiator codon variant. On other transcripts: non-coding transcript variant (1).
Genome position (GRCh38, 1-based): chr4:88,007,735, T>A. VCF-style: chr4-88007735-T-A. GRCh37 (hg19) VCF-style: chr4-88928887-T-A.
Other names: c.2T>A (NM_000297.3); short protein forms M1K.
Identifiers: ClinVar variation 2078491 (VCV002078491.6), dbSNP rs1477510994, ClinGen allele CA357624744.

ClinVar aggregate classification (germline): Uncertain significance. Review status: criteria provided, multiple submitters, no conflicts (2 of 4 stars). 2 submissions from 2 submitters: Uncertain significance (2). Last evaluated 2025-11-11.

Conditions:
Autosomal dominant polycystic kidney disease. Identifiers: Orphanet 730, MedGen C0085413, MONDO:0004691.

Allele frequency attached by ClinVar (database versions not stated): TOPMed 0.00002.

Submissions (2):

Labcorp Genetics (formerly Invitae), Labcorp
Classification: Uncertain significance for Autosomal dominant polycystic kidney disease. Last evaluated: 2025-11-11. Review status: criteria provided, single submitter. Criteria: Invitae Variant Classification Sherloc (09022015). Collection method: clinical testing. Allele origin: germline.
Comment: This sequence change affects the initiator codon of the PKD2 mRNA. This change may impact translation initiation or efficiency. The next in-frame methionine is located at codon 30. The frequency data for this variant in the population databases is considered unreliable, as metrics indicate poor data quality at this position in the gnomAD database. Disruption of the initiator codon has been observed in individual(s) with polycystic kidney disease (PMID: 31738409). ClinVar contains an entry for this variant (Variation ID: 2078491). Experimental studies and prediction algorithms are not available or were not evaluated, and the functional significance of this variant is currently unknown. In summary, the available evidence is currently insufficient to determine the role of this variant in disease. Therefore, it has been classified as a Variant of Uncertain Significance.

GeneDx
Classification: Uncertain significance. Last evaluated: 2024-02-28. Review status: criteria provided, single submitter. Criteria: GeneDx Variant Classification Process June 2021. Collection method: clinical testing. Allele origin: germline. Affected: yes.
Comment: Initiation codon variant in a gene for which loss of function is a known mechanism of disease; however downstream methionines are observed and functional data are not available to determine whether this variant is disruptive in this transcript; Has not been previously published as pathogenic or benign to our knowledge

Literature cited by the submitters: PubMed 31738409 (cited by Labcorp Genetics (formerly Invitae), Labcorp).